The following is an entry in ClinVar:

NM_000642.3(AGL):c.1640_1641insGCTGG (p.Pro548fs)

Gene: AGL (amylo-alpha-1,6-glucosidase and 4-alpha-glucanotransferase; plus strand). Cytogenetic location: 1p21.2.
Variant type: Insertion.
Coding change: c.1640_1641insGCTGG on transcript NM_000642.3 (MANE Select); coding-DNA positions 1640 to 1641, GCTGG inserted.
Protein change: p.Pro548fs; shifts the reading frame from proline 548.
Molecular consequence: frameshift variant.
Genome position: GRCh38 VCF-style: chr1-99879951-A-AGCTGG. GRCh37 (hg19) VCF-style: chr1-100345507-A-AGCTGG.
Other names: c.1640_1641insGCTGG, p.Pro548Leufs (NM_000028.3, NM_000643.3, NM_000644.3 and 2 more transcripts); c.1592_1593insGCTGG, p.Pro532Leufs (NM_000646.3); c.1439_1440insGCTGG, p.Pro481Leufs (NM_001425327.1); c.1436_1437insGCTGG, p.Pro480Leufs (NM_001425328.1, NM_001425329.1); c.1262_1263insGCTGG, p.Pro422Leufs (NM_001425332.1); short protein forms P532fs, P548fs.
Identifiers: ClinVar variation 1725389 (VCV001725389.2), dbSNP rs2524635966, ClinGen allele CA2580063378.

ClinVar aggregate classification (germline): Likely pathogenic (1 of 4 stars; one submission).

Conditions:
Glycogen storage disease type III (GSD3). Also called: FORBES DISEASE; Cori disease. Identifiers: Orphanet 366, MedGen C0017922, MONDO:0009291, OMIM 232400.

Submission:

Myriad Genetics, Inc.
Classification: Likely pathogenic for Glycogen storage disease type III. Last evaluated: 2022-03-17. Review status: criteria provided, single submitter. Criteria: Myriad Women's Health Autosomal Recessive and X-Linked Classification Criteria (2021). Collection method: clinical testing. Allele origin: unknown.
Comment: NM_000642.2(AGL):c.1640_1641ins5(P548Lfs*7) is expected to be pathogenic in the context of glycogen storage disease type III. This variant is predicted to lead to an abnormal or absent protein product due to the creation of a premature termination codon in AGL, a gene where loss-of-function variants are known to be pathogenic. Please note: this variant was assessed in the context of healthy population screening.